The following is an entry in ClinVar:

NM_014141.6(CNTNAP2):c.2150A>G (p.Tyr717Cys)

Gene: CNTNAP2 (contactin associated protein 2; plus strand). Cytogenetic location: 7q35.
Variant type: single nucleotide variant.
Coding change: c.2150A>G on transcript NM_014141.6 (MANE Select); coding-DNA position 2150, A replaced by G.
Protein change: p.Tyr717Cys; replaces tyrosine 717 with cysteine.
Molecular consequence: missense variant.
Genome position (GRCh38, 1-based): chr7:147,903,616, A>G. VCF-style: chr7-147903616-A-G. GRCh37 (hg19) VCF-style: chr7-147600708-A-G.
Other names: short protein forms Y717C.
Identifiers: ClinVar variation 2133044 (VCV002133044.4), dbSNP rs2536301907, ClinGen allele CA369926905.

ClinVar aggregate classification (germline): Uncertain significance (1 of 4 stars; one submission).

Conditions:
Cortical dysplasia-focal epilepsy syndrome (PTHSL1). Also called: Pitt-Hopkins-like syndrome 1. Identifiers: Orphanet 163681, Orphanet 221150, MedGen C2750246, MONDO:0012400, OMIM 610042.

Allele frequency attached by ClinVar (database versions not stated): gnomAD exomes below 0.00001.
gnomAD v4.1: 2 of 1,614,184 alleles (0.00012%); highest among the groups gnomAD compares: Non-Finnish European, 0.00017%; no homozygotes.

Submission:

Labcorp Genetics (formerly Invitae), Labcorp
Classification: Uncertain significance for Cortical dysplasia-focal epilepsy syndrome. Last evaluated: 2022-10-17. Review status: criteria provided, single submitter. Criteria: Invitae Variant Classification Sherloc (09022015). Collection method: clinical testing. Allele origin: germline.
Comment: This sequence change replaces tyrosine, which is neutral and polar, with cysteine, which is neutral and slightly polar, at codon 717 of the CNTNAP2 protein (p.Tyr717Cys). This variant is not present in population databases (gnomAD no frequency). This variant has not been reported in the literature in individuals affected with CNTNAP2-related conditions. Algorithms developed to predict the effect of missense changes on protein structure and function (SIFT, PolyPhen-2, Align-GVGD) all suggest that this variant is likely to be disruptive. In summary, the available evidence is currently insufficient to determine the role of this variant in disease. Therefore, it has been classified as a Variant of Uncertain Significance.